The following is an entry in ClinVar:

NM_000384.3(APOB):c.7623G>T (p.Gln2541His)

Gene: APOB (apolipoprotein B; minus strand). Cytogenetic location: 2p24.1.
Variant type: single nucleotide variant.
Coding change: c.7623G>T on transcript NM_000384.3 (MANE Select); coding-DNA position 7623, G replaced by T.
Protein change: p.Gln2541His; replaces glutamine 2541 with histidine.
Molecular consequence: missense variant.
Genome position (GRCh38, 1-based): chr2:21,009,245, C>A on the plus strand (G>T on the coding strand, the complement: APOB is on the minus strand). VCF-style: chr2-21009245-C-A. GRCh37 (hg19) VCF-style: chr2-21232117-C-A.
Other names: short protein forms Q2541H.
Identifiers: ClinVar variation 5008516 (VCV005008516.1).

ClinVar aggregate classification (germline): Uncertain significance (1 of 4 stars; one submission).

Submission:

GeneDx
Classification: Uncertain significance. Last evaluated: 2026-03-05. Review status: criteria provided, single submitter. Criteria: GeneDx Variant Classification Process June 2021. Collection method: clinical testing. Allele origin: germline.
Comment: Not observed at significant frequency in large population cohorts (gnomAD); In silico analysis supports that this missense variant has a deleterious effect on protein structure/function; Has not been previously published as pathogenic or benign to our knowledge